The following is an entry in ClinVar:

ClinVar aggregate classification (germline): Uncertain significance (1 of 4 stars; one submission).

Conditions:
Spastic paraplegia. Identifiers: MedGen C0037772, HP:0001258.

gnomAD v4.1: 1 of 1,610,768 alleles (0.000062%); highest among the groups gnomAD compares: African/African-American, 0.0013%; no homozygotes.

Submission:

Labcorp Genetics (formerly Invitae), Labcorp
Classification: Uncertain significance for Spastic paraplegia. Last evaluated: 2017-12-02. Review status: criteria provided, single submitter. Criteria: Invitae Variant Classification Sherloc (09022015). Collection method: clinical testing. Allele origin: germline.
Comment: In summary, the available evidence is currently insufficient to determine the role of this variant in disease. Therefore, it has been classified as a Variant of Uncertain Significance. Algorithms developed to predict the effect of sequence changes on RNA splicing suggest that this variant may create or strengthen a splice site, but this prediction has not been confirmed by published transcriptional studies. Algorithms developed to predict the effect of missense changes on protein structure and function do not agree on the potential impact of this missense change (SIFT: "Deleterious"; PolyPhen-2: "Probably Damaging"; Align-GVGD: "Class C0"). This variant has not been reported in the literature in individuals with GJC2-related disease. This variant is not present in population databases (ExAC no frequency). This sequence change replaces asparagine with serine at codon 282 of the GJC2 protein (p.Asn282Ser). The asparagine residue is highly conserved and there is a small physicochemical difference between asparagine and serine.

NM_020435.4(GJC2):c.845A>G (p.Asn282Ser)

Gene: GJC2 (gap junction protein gamma 2; plus strand). Cytogenetic location: 1q42.13.
Variant type: single nucleotide variant.
Coding change: c.845A>G on transcript NM_020435.4 (MANE Select); coding-DNA position 845, A replaced by G.
Protein change: p.Asn282Ser; replaces asparagine 282 with serine.
Molecular consequence: missense variant.
Genome position (GRCh38, 1-based): chr1:228,158,603, A>G. VCF-style: chr1-228158603-A-G. GRCh37 (hg19) VCF-style: chr1-228346304-A-G.
Other names: short protein forms N282S.
Identifiers: ClinVar variation 527990 (VCV000527990.8), dbSNP rs1553262560, ClinGen allele CA345099665.